The following is an entry in ClinVar:

ClinVar aggregate classification (germline): Conflicting classifications of pathogenicity. Review status: criteria provided, conflicting classifications (1 of 4 stars). 2 submissions from 2 submitters: Uncertain significance (1); Likely benign (1). Last evaluated 2025-09-10.

Submissions (2):

Labcorp Genetics (formerly Invitae), Labcorp
Classification: Likely benign. Last evaluated: 2025-09-10. Review status: criteria provided, single submitter. Criteria: Invitae Variant Classification Sherloc (09022015). Collection method: clinical testing. Allele origin: germline.

GeneDx
Classification: Uncertain significance. Last evaluated: 2024-07-03. Review status: criteria provided, single submitter. Criteria: GeneDx Variant Classification Process June 2021. Collection method: clinical testing. Allele origin: germline. Affected: yes.
Comment: Not observed at significant frequency in large population cohorts (gnomAD); In silico analysis indicates that this variant does not alter protein structure/function; Has not been previously published as pathogenic or benign to our knowledge; Reported using an alternate transcript of the gene

NM_130837.3(OPA1):c.725A>C (p.His242Pro)

Genes: OPA1 (OPA1 mitochondrial dynamin like GTPase; plus strand), OPA1-AS1 (OPA1 antisense RNA 1; minus strand). Cytogenetic location: 3q29.
Variant type: single nucleotide variant.
Coding change: c.725A>C on transcript NM_130837.3 (MANE Select); coding-DNA position 725, A replaced by C.
Protein change: p.His242Pro; replaces histidine 242 with proline.
Molecular consequence: missense variant. On other transcripts: intron variant (5).
Genome position (GRCh38, 1-based): chr3:193,626,138, A>C. VCF-style: chr3-193626138-A-C. GRCh37 (hg19) VCF-style: chr3-193343927-A-C.
Other names: c.191A>C, p.His64Pro (NM_001354663.2); c.563A>C, p.His188Pro (NM_130833.3); c.617A>C, p.His206Pro (NM_130835.3); c.671A>C, p.His224Pro (NM_130836.3); c.253-5474A>C (NM_001354664.2); c.679-5474A>C (NM_130834.3); c.625-5474A>C (NM_015560.3); c.571-5474A>C (NM_130832.3); and 1 more; short protein forms H224P, H242P, H206P, H64P, H188P.
Identifiers: ClinVar variation 3393586 (VCV003393586.2).